The following is an entry in ClinVar:

ClinVar aggregate classification (germline): Pathogenic (1 of 4 stars; one submission).

Conditions:
Holoprosencephaly 5 (HPE5). Identifiers: Orphanet 2162, MedGen C1864827, MONDO:0012322, OMIM 609637.

Submission:

Labcorp Genetics (formerly Invitae), Labcorp
Classification: Pathogenic for Holoprosencephaly 5. Last evaluated: 2023-12-11. Review status: criteria provided, single submitter. Criteria: Invitae Variant Classification Sherloc (09022015). Collection method: clinical testing. Allele origin: germline.
Comment: This sequence change replaces cysteine, which is neutral and slightly polar, with tyrosine, which is neutral and polar, at codon 258 of the ZIC2 protein (p.Cys258Tyr). This variant is not present in population databases (gnomAD no frequency). This missense change has been observed in individual(s) with holoprosencephaly (Invitae). In at least one individual the variant was observed to be de novo. Advanced modeling of protein sequence and biophysical properties (such as structural, functional, and spatial information, amino acid conservation, physicochemical variation, residue mobility, and thermodynamic stability) performed at Invitae indicates that this missense variant is expected to disrupt ZIC2 protein function with a positive predictive value of 80%. For these reasons, this variant has been classified as Pathogenic.

NM_007129.5(ZIC2):c.773G>A (p.Cys258Tyr)

Gene: ZIC2 (Zic family zinc finger 2; plus strand). Cytogenetic location: 13q32.3.
Variant type: single nucleotide variant.
Coding change: c.773G>A on transcript NM_007129.5 (MANE Select); coding-DNA position 773, G replaced by A.
Protein change: p.Cys258Tyr; replaces cysteine 258 with tyrosine.
Molecular consequence: missense variant.
Genome position (GRCh38, 1-based): chr13:99,982,837, G>A. VCF-style: chr13-99982837-G-A. GRCh37 (hg19) VCF-style: chr13-100635091-G-A.
Other names: short protein forms C258Y.
Identifiers: ClinVar variation 2760100 (VCV002760100.3), dbSNP rs2501544720, ClinGen allele CA388638038.